The following is an entry in ClinVar:

ClinVar aggregate classification (germline): Uncertain significance. Review status: criteria provided, multiple submitters, no conflicts (2 of 4 stars). 2 submissions from 2 submitters: Uncertain significance (2). Last evaluated 2025-02-25.

Conditions:
GLUT1 deficiency syndrome 1, autosomal recessive. Identifiers: MedGen C3149117.
Childhood onset GLUT1 deficiency syndrome 2. Also called: Exertion-induced paroxysmal dyskinesia; Paroxysmal exercise-induced dystonia; GLUT1 deficiency syndrome 2; PAROXYSMAL EXERCISE-INDUCED DYSKINESIA WITH OR WITHOUT EPILEPSY AND/OR HEMOLYTIC ANEMIA; PAROXYSMAL EXERTION-INDUCED DYSTONIA WITH OR WITHOUT EPILEPSY AND/OR HEMOLYTIC ANEMIA; PED WITH OR WITHOUT EPILEPSY AND/OR HEMOLYTIC ANEMIA. Identifiers: Orphanet 98811, MedGen C1842534, MONDO:0012805, OMIM 612126.

Submissions (2):

3billion
Classification: Uncertain significance for Childhood onset GLUT1 deficiency syndrome 2. Last evaluated: 2025-02-25. Review status: criteria provided, single submitter. Criteria: ACMG Guidelines, 2015. Collection method: clinical testing. Allele origin: germline. Affected: yes.
Comment: The variant is not observed in the gnomAD v4.1.0 dataset. Predicted Consequence/Location: Missense variant In silico tool predictions suggest damaging effect of the variant on gene or gene product [REVEL: 0.89 (>=0.6, sensitivity 0.68 and specificity 0.92); 3Cnet: 0.93 (>=0.6, sensitivity 0.72 and precision 0.9)]. Different missense changes at the same codon (p.Pro211His, p.Pro211Ser) have been reported to be associated with SLC2A1-related disorder (ClinVar ID: VCV000207192 /PMID: 29655203, 35388452). However the evidence of pathogenicity is insufficient at this time. Therefore, this variant is classified as VUS according to the recommendation of ACMG/AMP guideline.

Labcorp Genetics (formerly Invitae), Labcorp
Classification: Uncertain significance for GLUT1 deficiency syndrome 1, autosomal recessive. Last evaluated: 2021-06-16. Review status: criteria provided, single submitter. Criteria: Invitae Variant Classification Sherloc (09022015). Collection method: clinical testing. Allele origin: germline.
Comment: In summary, the available evidence is currently insufficient to determine the role of this variant in disease. Therefore, it has been classified as a Variant of Uncertain Significance. Advanced modeling of protein sequence and biophysical properties (such as structural, functional, and spatial information, amino acid conservation, physicochemical variation, residue mobility, and thermodynamic stability) performed at Invitae indicates that this missense variant is expected to disrupt SLC2A1 protein function. This variant has not been reported in the literature in individuals with SLC2A1-related conditions. This variant is not present in population databases (ExAC no frequency). This sequence change replaces proline with leucine at codon 211 of the SLC2A1 protein (p.Pro211Leu). The proline residue is highly conserved and there is a moderate physicochemical difference between proline and leucine.

Literature cited by the submitters: PubMed 29655203 (cited by 3billion).

NM_006516.4(SLC2A1):c.632C>T (p.Pro211Leu)

Gene: SLC2A1 (solute carrier family 2 member 1; minus strand). Cytogenetic location: 1p34.2.
Variant type: single nucleotide variant.
Coding change: c.632C>T on transcript NM_006516.4 (MANE Select); coding-DNA position 632, C replaced by T.
Protein change: p.Pro211Leu; replaces proline 211 with leucine.
Molecular consequence: missense variant.
Genome position (GRCh38, 1-based): chr1:42,929,920, G>A on the plus strand (C>T on the coding strand, the complement: SLC2A1 is on the minus strand). VCF-style: chr1-42929920-G-A. GRCh37 (hg19) VCF-style: chr1-43395591-G-A.
Other names: short protein forms P211L.
Identifiers: ClinVar variation 1466300 (VCV001466300.9), dbSNP rs2124449306, ClinGen allele CA339958546.